The following is an entry in ClinVar:

NM_024741.3(ZNF408):c.199C>T (p.Leu67Phe)

Gene: ZNF408 (zinc finger protein 408; plus strand). Cytogenetic location: 11p11.2.
Variant type: single nucleotide variant.
Coding change: c.199C>T on transcript NM_024741.3 (MANE Select); coding-DNA position 199, C replaced by T.
Protein change: p.Leu67Phe; replaces leucine 67 with phenylalanine.
Molecular consequence: missense variant.
Genome position (GRCh38, 1-based): chr11:46,701,545, C>T. VCF-style: chr11-46701545-C-T. GRCh37 (hg19) VCF-style: chr11-46723095-C-T.
Other names: c.175C>T, p.Leu59Phe (NM_001184751.2); short protein forms L59F, L67F.
Identifiers: ClinVar variation 1394268 (VCV001394268.8), dbSNP rs35652367, ClinGen allele CA5966264.
Genomic context (GRCh38, chr11:46,701,545, plus strand): 5'-CCGACCCGAGACATCCTCGCTTTAAAGAGCCTTCCCCGGGGCTTGGCCCTTGGCCCCTCA[C>T]TCGCCAAGGAACAGCGCTTGGGGGTCTGGTGTGTCGGGGACCCCCTGCAGCCCGGCCTGC-3'
Protein context (NP_079017.1, residues 57-77): LPRGLALGPS[Leu67Phe]AKEQRLGVWC

ClinVar aggregate classification (germline): Uncertain significance (1 of 4 stars; one submission).

Submission:

Labcorp Genetics (formerly Invitae), Labcorp
Classification: Uncertain significance. Last evaluated: 2023-11-27. Review status: criteria provided, single submitter. Criteria: Invitae Variant Classification Sherloc (09022015). Collection method: clinical testing. Allele origin: germline.
Comment: This sequence change replaces leucine, which is neutral and non-polar, with phenylalanine, which is neutral and non-polar, at codon 67 of the ZNF408 protein (p.Leu67Phe). This variant is present in population databases (rs35652367, gnomAD 0.0009%). This variant has not been reported in the literature in individuals affected with ZNF408-related conditions. ClinVar contains an entry for this variant (Variation ID: 1394268). Algorithms developed to predict the effect of missense changes on protein structure and function output the following: SIFT: "Not Available"; PolyPhen-2: "Benign"; Align-GVGD: "Not Available". The phenylalanine amino acid residue is found in multiple mammalian species, which suggests that this missense change does not adversely affect protein function. In summary, the available evidence is currently insufficient to determine the role of this variant in disease. Therefore, it has been classified as a Variant of Uncertain Significance.